The following is an entry in ClinVar:

NM_004360.5(CDH1):c.833-14T>C

Gene: CDH1 (cadherin 1; plus strand). Cytogenetic location: 16q22.1.
Variant type: single nucleotide variant.
Coding change: c.833-14T>C on transcript NM_004360.5 (MANE Select); 14 bases into the intron before coding-DNA position 833, T replaced by C.
Molecular consequence: intron variant.
Genome position (GRCh38, 1-based): chr16:68,811,670, T>C. VCF-style: chr16-68811670-T-C. GRCh37 (hg19) VCF-style: chr16-68845573-T-C.
Other names: c.-783-14T>C (NM_001317185.2); c.-987-14T>C (NM_001317186.2); c.833-14T>C (NM_001317184.2).
Identifiers: ClinVar variation 2030341 (VCV002030341.5), dbSNP rs2543921945, ClinGen allele CA2576038669.

ClinVar aggregate classification (germline): Likely benign. Review status: criteria provided, multiple submitters, no conflicts (2 of 4 stars). 2 submissions from 2 submitters: Likely benign (2). Last evaluated 2025-07-27.

Conditions:
Hereditary diffuse gastric adenocarcinoma (HDGC). Also called: DIFFUSE GASTRIC AND LOBULAR BREAST CANCER SYNDROME. Identifiers: Orphanet 26106, MedGen C1708349, MONDO:0007648, OMIM 137215.

Submissions (2):

Labcorp Genetics (formerly Invitae), Labcorp
Classification: Likely benign for Hereditary diffuse gastric adenocarcinoma. Last evaluated: 2025-07-27. Review status: criteria provided, single submitter. Criteria: Invitae Variant Classification Sherloc (09022015). Collection method: clinical testing. Allele origin: germline.

Myriad Genetics, Inc.
Classification: Likely benign for Hereditary diffuse gastric adenocarcinoma. Last evaluated: 2024-09-16. Review status: criteria provided, single submitter. Criteria: Myriad Autosomal Dominant, Autosomal Recessive and X-Linked Classification Criteria (2023). Collection method: clinical testing. Allele origin: unknown.
Comment: This variant is considered likely benign. This variant is intronic and is not expected to impact mRNA splicing.